The following is an entry in ClinVar:

ClinVar aggregate classification (germline): Pathogenic (1 of 4 stars; one submission).

Submission:

Labcorp Genetics (formerly Invitae), Labcorp
Classification: Pathogenic. Last evaluated: 2020-10-16. Review status: criteria provided, single submitter. Criteria: Invitae Variant Classification Sherloc (09022015). Collection method: clinical testing. Allele origin: germline.
Comment: This sequence change creates a premature translational stop signal (p.Asp1785*) in the SPTBN2 gene. It is expected to result in an absent or disrupted protein product. Loss-of-function variants in SPTBN2 are known to be pathogenic (PMID: 28636205). This variant is not present in population databases (ExAC no frequency). This variant has not been reported in the literature in individuals with SPTBN2-related conditions. For these reasons, this variant has been classified as Pathogenic.

Literature cited by the submitters: PubMed 28636205.

NM_006946.4(SPTBN2):c.5352dup (p.Asp1785Ter)

Gene: SPTBN2 (spectrin beta, non-erythrocytic 2; minus strand). Cytogenetic location: 11q13.2.
Variant type: Duplication.
Coding change: c.5352dup on transcript NM_006946.4 (MANE Select); coding-DNA position 5352, one base duplicated (T; older notation c.5352dupT).
Protein change: p.Asp1785Ter; replaces aspartic acid 1785 with a stop codon.
Molecular consequence: nonsense.
Genome position (GRCh38, 1-based): chr11:66,691,497, A duplicated on the plus strand (T on the coding strand, the reverse complement: SPTBN2 is on the minus strand). VCF-style (leftmost placement, unchanged base first): chr11-66691496-C-CA. GRCh37 (hg19) VCF-style: chr11-66458967-C-CA.
Other names: short protein forms D1785*.
Identifiers: ClinVar variation 1074233 (VCV001074233.7), dbSNP rs2135342205, ClinGen allele CA2499221211.
Genomic context (GRCh38, chr11:66,691,496, plus strand): 5'-GCTGCAGCTCGTACGCCGCGGCCAGCACCTGACCCCGTGTGTCCAGCAGCTCAAGCAGGT[C>CA]AGCCCAGGCCTCGTTGAGACTGTCCTTCCACTCGGCCACGGTGGCCCGTGCAGCATGGCC-3'